The following is an entry in ClinVar:

NM_012309.5(SHANK2):c.2154G>A (p.Thr718=)

Gene: SHANK2 (SH3 and multiple ankyrin repeat domains 2; minus strand). Cytogenetic location: 11q13.4.
Variant type: single nucleotide variant.
Coding change: c.2154G>A on transcript NM_012309.5 (MANE Select); coding-DNA position 2154, G replaced by A.
Protein change: p.Thr718=; no amino-acid change (threonine 718 retained).
Molecular consequence: synonymous variant. On other transcripts: non-coding transcript variant (1).
Genome position (GRCh38, 1-based): chr11:70,502,839, C>T on the plus strand (G>A on the coding strand, the complement: SHANK2 is on the minus strand). VCF-style: chr11-70502839-C-T. GRCh37 (hg19) VCF-style: chr11-70348944-C-T.
Other names: c.1017G>A, p.Thr339= (NM_001379226.1, NM_001441040.1, NM_001441041.1); c.2325G>A, p.Thr775= (NM_001441024.1); c.2154G>A, p.Thr718= (NM_001441025.1, NM_001441026.1, NM_001441027.1 and 11 more transcripts); c.2082G>A, p.Thr694= (NM_001441038.1); c.390G>A, p.Thr130= (NM_001441042.1, NM_001441043.1, NM_001441044.1 and 4 more transcripts).
Identifiers: ClinVar variation 4873099 (VCV004873099.3).
Genomic context (GRCh38, chr11:70,502,839, plus strand): 5'-CGATGTGGGGCATGTACCTTTCTTCCTGGCGGTGTCGTCGGGGTCCAGATTCCTGGTCAC[C>T]GTGACCACCTTAAGGACCAGGTGATTCCCTCCCTGCCGGATCATGTTCACCACCTGCCTG-3'
Protein context (NP_036441.2, residues 708-728): GGNHLVLKVV[Thr718=]VTRNLDPDDT

ClinVar aggregate classification (germline): Likely benign. Review status: criteria provided, multiple submitters, no conflicts (2 of 4 stars). 2 submissions from 2 submitters: Likely benign (2). Last evaluated 2026-04-01.

gnomAD v4.1: 87 of 1,612,932 alleles (0.0054%); highest among the groups gnomAD compares: Middle Eastern, 0.033%; no homozygotes.

Submissions (2):

CeGaT Center for Human Genetics Tuebingen
Classification: Likely benign. Last evaluated: 2026-04-01. Review status: criteria provided, single submitter. Criteria: CeGaT Center For Human Genetics Tuebingen Variant Classification Criteria Version 2. Collection method: clinical testing. Allele origin: germline. Affected: yes. Observed: 1 variant allele.
Comment: SHANK2: BP4, BP7

Blueprint Genetics
Classification: Likely benign. Last evaluated: 2024-10-31. Review status: criteria provided, single submitter. Criteria: ACMG Guidelines, 2015. Collection method: clinical testing. Allele origin: germline.